The following is an entry in ClinVar:

ClinVar aggregate classification (germline): Uncertain significance (1 of 4 stars; one submission).

Conditions:
Cardiovascular phenotype. Identifiers: MedGen CN230736.

Submission:

Ambry Genetics
Classification: Uncertain significance for Cardiovascular phenotype. Last evaluated: 2025-10-12. Review status: criteria provided, single submitter. Criteria: Ambry Variant Classification Scheme 2023. Collection method: clinical testing. Allele origin: germline.
Comment: The p.C255G variant (also known as c.763T>G), located in coding exon 5 of the PCSK9 gene, results from a T to G substitution at nucleotide position 763. The cysteine at codon 255 is replaced by glycine, an amino acid with highly dissimilar properties. This amino acid position is conserved. In addition, the in silico prediction for this alteration is inconclusive. Based on the available evidence, the clinical significance of this variant remains unclear.

NM_174936.4(PCSK9):c.763T>G (p.Cys255Gly)

Gene: PCSK9 (proprotein convertase subtilisin/kexin type 9; plus strand). Cytogenetic location: 1p32.3.
Variant type: single nucleotide variant.
Coding change: c.763T>G on transcript NM_174936.4 (MANE Select); coding-DNA position 763, T replaced by G.
Protein change: p.Cys255Gly; replaces cysteine 255 with glycine.
Molecular consequence: missense variant. On other transcripts: non-coding transcript variant (8).
Genome position (GRCh38, 1-based): chr1:55,052,755, T>G. VCF-style: chr1-55052755-T-G. GRCh37 (hg19) VCF-style: chr1-55518428-T-G.
Other names: c.886T>G, p.Cys296Gly (NM_001407240.1); c.763T>G, p.Cys255Gly (NM_001407241.1, NM_001407244.1, NM_001407247.1); c.766T>G, p.Cys256Gly (NM_001407242.1); c.706T>G, p.Cys236Gly (NM_001407243.1); c.571T>G, p.Cys191Gly (NM_001407245.1); c.388T>G, p.Cys130Gly (NM_001407246.1); short protein forms C256G, C130G, C191G, C236G, C296G, C255G.
Identifiers: ClinVar variation 4614714 (VCV004614714.1).